The following is an entry in ClinVar:

NM_001378418.1(TCF20):c.5491A>G (p.Thr1831Ala)

Gene: TCF20 (transcription factor 20; minus strand). Cytogenetic location: 22q13.2.
Variant type: single nucleotide variant.
Coding change: c.5491A>G on transcript NM_001378418.1 (MANE Select); coding-DNA position 5491, A replaced by G.
Protein change: p.Thr1831Ala; replaces threonine 1831 with alanine.
Molecular consequence: missense variant.
Genome position (GRCh38, 1-based): chr22:42,209,815, T>C on the plus strand (A>G on the coding strand, the complement: TCF20 is on the minus strand). VCF-style: chr22-42209815-T-C. GRCh37 (hg19) VCF-style: chr22-42605821-T-C.
Other names: c.5491A>G, p.Thr1831Ala (NM_005650.4, NM_181492.3); c.5491A>G (NM_005650.1); short protein forms T1831A.
Identifiers: ClinVar variation 1421169 (VCV001421169.15), dbSNP rs145292779, ClinGen allele CA10266463.

ClinVar aggregate classification (germline): Benign/Likely benign. Review status: criteria provided, multiple submitters, no conflicts (2 of 4 stars). 3 submissions from 3 submitters: Benign (1); Likely benign (2). Last evaluated 2026-01-22.

Conditions:
Inborn genetic diseases. Identifiers: MedGen C0950123, MeSH D030342.

Allele frequency attached by ClinVar (database versions not stated): ExAC 0.00013; gnomAD exomes 0.00015 and 0.00016; gnomAD 0.00043 and 0.00047; 1000 Genomes Project 0.00060; 1000 Genomes Project 30x 0.00078; TOPMed 0.00080.
gnomAD v4.1: 292 of 1,614,102 alleles (0.018%); highest among the groups gnomAD compares: Admixed American, 0.13%; no homozygotes.

Submissions (3):

Labcorp Genetics (formerly Invitae), Labcorp
Classification: Benign. Last evaluated: 2026-01-22. Review status: criteria provided, single submitter. Criteria: Invitae Variant Classification Sherloc (09022015). Collection method: clinical testing. Allele origin: germline.

CeGaT Center for Human Genetics Tuebingen
Classification: Likely benign. Last evaluated: 2025-07-01. Review status: criteria provided, single submitter. Criteria: CeGaT Center For Human Genetics Tuebingen Variant Classification Criteria Version 2. Collection method: clinical testing. Allele origin: germline. Affected: yes. Observed: 1 variant allele.
Comment: TCF20: BP4

Ambry Genetics
Classification: Likely benign for Inborn genetic diseases. Last evaluated: 2024-01-04. Review status: criteria provided, single submitter. Criteria: Ambry Variant Classification Scheme 2023. Collection method: clinical testing. Allele origin: germline.